The following is an entry in ClinVar:

ClinVar aggregate classification (germline): Uncertain significance (1 of 4 stars; one submission).

Conditions:
Tuberous sclerosis 2 (TSC2). Identifiers: Orphanet 805, MedGen C1860707, MONDO:0013199, OMIM 613254.

Submission:

Labcorp Genetics (formerly Invitae), Labcorp
Classification: Uncertain significance for Tuberous sclerosis 2. Last evaluated: 2021-10-10. Review status: criteria provided, single submitter. Criteria: Invitae Variant Classification Sherloc (09022015). Collection method: clinical testing. Allele origin: germline.
Comment: Algorithms developed to predict the effect of missense changes on protein structure and function are either unavailable or do not agree on the potential impact of this missense change (SIFT: "Deleterious"; PolyPhen-2: "Probably Damaging"; Align-GVGD: "Class C0"). This variant has not been reported in the literature in individuals affected with TSC2-related conditions. This variant is not present in population databases (ExAC no frequency). This sequence change replaces leucine with arginine at codon 160 of the TSC2 protein (p.Leu160Arg). The leucine residue is moderately conserved and there is a moderate physicochemical difference between leucine and arginine. In summary, the available evidence is currently insufficient to determine the role of this variant in disease. Therefore, it has been classified as a Variant of Uncertain Significance.

NM_000548.5(TSC2):c.479T>G (p.Leu160Arg)

Gene: TSC2 (TSC complex subunit 2; plus strand). Cytogenetic location: 16p13.3.
Variant type: single nucleotide variant.
Coding change: c.479T>G on transcript NM_000548.5 (MANE Select); coding-DNA position 479, T replaced by G.
Protein change: p.Leu160Arg; replaces leucine 160 with arginine.
Molecular consequence: missense variant. On other transcripts: intron variant (1).
Genome position (GRCh38, 1-based): chr16:2,054,438, T>G. VCF-style: chr16-2054438-T-G. GRCh37 (hg19) VCF-style: chr16-2104439-T-G.
Other names: c.479T>G, p.Leu160Arg (NM_001077183.3, NM_001114382.3, NM_001363528.2 and 3 more transcripts); c.368T>G, p.Leu123Arg (NM_001318827.2); c.332T>G, p.Leu111Arg (NM_001318829.2); c.512T>G, p.Leu171Arg (NM_001318832.2); c.-1-1758T>G (NM_001318831.2); short protein forms L111R, L123R, L160R, L171R.
Identifiers: ClinVar variation 1437245 (VCV001437245.6), dbSNP rs1555497725, ClinGen allele CA394308596.